The following is an entry in ClinVar:

Conditions:
Breast-ovarian cancer, familial, susceptibility to, 1 (BROVCA1). Also called: BRCA1 Hereditary Breast and Ovarian Cancer; OVARIAN CANCER, SUSCEPTIBILITY TO. Identifiers: Orphanet 145, MedGen C2676676, MONDO:0011450, OMIM 604370. Disease mechanism: loss of function.

Submission:

Brotman Baty Institute, University of Washington
No classification provided (evidence only). Condition: Breast-ovarian cancer, familial 1. Review status: no classification provided. Collection method: in vitro. Allele origin: not applicable. Functional consequence: functionally_normal.
ClinVar note: "not provided" was previously submitted as the classification for the variant. However, the classification appeared to be based only on an observation of functional data so it was converted to no classification on 2025-07-30.

NM_007294.4(BRCA1):c.227G>C (p.Ser76Thr)

Gene: BRCA1 (BRCA1 DNA repair associated; minus strand). Cytogenetic location: 17q21.31.
Variant type: single nucleotide variant.
Coding change: c.227G>C on transcript NM_007294.4 (MANE Select); coding-DNA position 227, G replaced by C.
Protein change: p.Ser76Thr; replaces serine 76 with threonine.
Molecular consequence: missense variant. On other transcripts: non-coding transcript variant (1).
Genome position (GRCh38, 1-based): chr17:43,104,942, C>G on the plus strand (G>C on the coding strand, the complement: BRCA1 is on the minus strand). VCF-style: chr17-43104942-C-G. GRCh37 (hg19) VCF-style: chr17-41256959-C-G.
Other names: c.149G>C, p.Ser50Thr (NM_001407659.1, NM_001407660.1, NM_001407661.1 and 21 more transcripts); c.227G>C, p.Ser76Thr (NM_001407664.1, NM_001407665.1, NM_001407666.1 and 168 more transcripts); c.86G>C, p.Ser29Thr (NM_001407692.1, NM_001407694.1, NM_001407695.1 and 99 more transcripts); c.17G>C, p.Ser6Thr (NM_001407853.1, NM_001407879.1, NM_001407881.1 and 58 more transcripts); c.-155G>C (NM_001407959.1, NM_001407960.1, NM_001407962.1 and 4 more transcripts); c.95G>C, p.Ser32Thr (NM_001408451.1); short protein forms S76T, S29T, S50T, S32T, S6T.
Identifiers: ClinVar variation 867988 (VCV000867988.3), dbSNP rs2054694832, ClinGen allele CA10601706.